The following is an entry in ClinVar:

NM_001367549.1(ATP13A3):c.170C>T (p.Ala57Val)

Gene: ATP13A3 (ATPase 13A3; minus strand). Cytogenetic location: 3q29.
Variant type: single nucleotide variant.
Coding change: c.170C>T on transcript NM_001367549.1 (MANE Select); coding-DNA position 170, C replaced by T.
Protein change: p.Ala57Val; replaces alanine 57 with valine.
Molecular consequence: missense variant. On other transcripts: non-coding transcript variant (2).
Genome position (GRCh38, 1-based): chr3:194,460,713, G>A on the plus strand (C>T on the coding strand, the complement: ATP13A3 is on the minus strand). VCF-style: chr3-194460713-G-A. GRCh37 (hg19) VCF-style: chr3-194181442-G-A.
Other names: c.170C>T, p.Ala57Val (NM_001374836.1, NM_001437993.1, NM_024524.4); short protein forms A57V.
Identifiers: ClinVar variation 4700584 (VCV004700584.1).

ClinVar aggregate classification (germline): Uncertain significance (1 of 4 stars; one submission).

Submission:

Labcorp Genetics (formerly Invitae), Labcorp
Classification: Uncertain significance. Last evaluated: 2025-07-23. Review status: criteria provided, single submitter. Criteria: Invitae Variant Classification Sherloc (09022015). Collection method: clinical testing. Allele origin: germline.
Comment: This sequence change replaces alanine, which is neutral and non-polar, with valine, which is neutral and non-polar, at codon 57 of the ATP13A3 protein (p.Ala57Val). This variant is present in population databases (rs371574320, gnomAD 0.02%). This variant has not been reported in the literature in individuals affected with ATP13A3-related conditions. Invitae Evidence Modeling of protein sequence and biophysical properties (such as structural, functional, and spatial information, amino acid conservation, physicochemical variation, residue mobility, and thermodynamic stability) indicates that this missense variant is not expected to disrupt ATP13A3 protein function with a negative predictive value of 80%. In summary, the available evidence is currently insufficient to determine the role of this variant in disease. Therefore, it has been classified as a Variant of Uncertain Significance.